The following is an entry in ClinVar:

NM_001034853.2(RPGR):c.2105G>A (p.Trp702Ter)

Gene: RPGR (retinitis pigmentosa GTPase regulator; minus strand). Cytogenetic location: Xp11.4.
Variant type: single nucleotide variant.
Coding change: c.2105G>A on transcript NM_001034853.2 (MANE Select); coding-DNA position 2105, G replaced by A.
Protein change: p.Trp702Ter; replaces tryptophan 702 with a stop codon.
Molecular consequence: nonsense. On other transcripts: intron variant (8).
Genome position (GRCh38, 1-based): chrX:38,286,894, C>T on the plus strand (G>A on the coding strand, the complement: RPGR is on the minus strand). VCF-style: chrX-38286894-C-T. GRCh37 (hg19) VCF-style: chrX-38146147-C-T.
Other names: c.1569+4065G>A (NM_001367249.1, NM_001367250.1); c.1902+200G>A (NM_001367245.1); c.1386+4065G>A (NM_001367251.1); c.1719+200G>A (NM_001367246.1); c.1572+4065G>A (NM_001367247.1); c.1905+200G>A (NM_000328.3); c.1602+4065G>A (NM_001367248.1); short protein forms W702*.
Identifiers: ClinVar variation 4781558 (VCV004781558.2).
Genomic context (GRCh38, chrX:38,286,894, plus strand): 5'-TCCTTCTGATGGCCCTGCTCCCTCTCCTTTTGCTCCTGCTCTTCCCCATCCCTCTTCTTC[C>T]ATTCTTCCTTCTCTGCTAGTTCCTTCTCTCCCTCTCCTGGCCTCTCCATTTCTCCTCTAC-3'

ClinVar aggregate classification (germline): Pathogenic. Review status: criteria provided, multiple submitters, no conflicts (2 of 4 stars). 2 submissions from 2 submitters: Pathogenic (2). Last evaluated 2025-10-05.

Conditions:
Primary ciliary dyskinesia. Also called: Ciliary dyskinesia. Identifiers: Orphanet 244, MedGen C0008780, MONDO:0016575, HP:0012265.
RPGR-related disorder. Also called: RPGR-related condition.

Submissions (2):

Labcorp Genetics (formerly Invitae), Labcorp
Classification: Pathogenic for Primary ciliary dyskinesia. Last evaluated: 2025-10-05. Review status: criteria provided, single submitter. Criteria: Invitae Variant Classification Sherloc (09022015). Collection method: clinical testing. Allele origin: germline.
Comment: This sequence change creates a premature translational stop signal (p.Trp702*) in the RPGR (ORF15) gene. While this is not anticipated to result in nonsense mediated decay, it is expected to disrupt the last 451 amino acid(s) of the RPGR (ORF15) protein. This variant is not present in population databases (gnomAD no frequency). This premature translational stop signal has been observed in individual(s) with inherited retinal dystrophy (PMID: 34985506). This variant disrupts a region of the RPGR (ORF15) protein in which other variant(s) (p.Leu1130Lysfs*13) have been determined to be pathogenic (PMID: 22264887; internal data). This suggests that this is a clinically significant region of the protein, and that variants that disrupt it are likely to be disease-causing. For these reasons, this variant has been classified as Pathogenic.

Blueprint Genetics
Classification: Pathogenic for RPGR-related disorders. Last evaluated: 2022-04-22. Review status: criteria provided, single submitter. Criteria: ACMG Guidelines, 2015. Collection method: clinical testing. Allele origin: germline. Affected: yes. Observed: 1 variant allele.

Literature cited by the submitters: PubMed 34985506 (cited by Labcorp Genetics (formerly Invitae), Labcorp); PubMed 22264887 (cited by Labcorp Genetics (formerly Invitae), Labcorp).